The following is an entry in ClinVar:

ClinVar aggregate classification (germline): Likely benign (1 of 4 stars; one submission).

Allele frequency attached by ClinVar (database versions not stated): gnomAD exomes 0.00007; ExAC 0.00013.
gnomAD v4.1: 86 of 1,188,365 alleles (0.0072%); highest among the groups gnomAD compares: South Asian, 0.042%; no homozygotes.

Submission:

CeGaT Center for Human Genetics Tuebingen
Classification: Likely benign. Last evaluated: 2026-08-01. Review status: criteria provided, single submitter. Criteria: CeGaT Center For Human Genetics Tuebingen Variant Classification Criteria Version 2. Collection method: clinical testing. Allele origin: germline. Affected: yes. Observed: 9 variant alleles.
Comment: MAGEC1: BP4, BS2

NM_005462.5(MAGEC1):c.1044T>C (p.Ser348=)

Gene: MAGEC1 (MAGE family member C1; plus strand). Cytogenetic location: Xq27.2.
Variant type: single nucleotide variant.
Coding change: c.1044T>C on transcript NM_005462.5 (MANE Select); coding-DNA position 1044, T replaced by C.
Protein change: p.Ser348=; no amino-acid change (serine 348 retained).
Molecular consequence: synonymous variant.
Genome position (GRCh38, 1-based): chrX:141,906,448, T>C. VCF-style: chrX-141906448-T-C. GRCh37 (hg19) VCF-style: chrX-140994234-T-C.
Identifiers: ClinVar variation 2661565 (VCV002661565.24), dbSNP rs57133902, ClinGen allele CA10533509.